The following is an entry in ClinVar:

ClinVar aggregate classification (germline): Uncertain significance. Review status: criteria provided, multiple submitters, no conflicts (2 of 4 stars). 2 submissions from 2 submitters: Uncertain significance (2). Last evaluated 2021-12-17.

Conditions:
Polycystic kidney disease 4 (PKD4). Also called: PKD3; POLYCYSTIC KIDNEY AND HEPATIC DISEASE 1; POLYCYSTIC KIDNEY DISEASE, INFANTILE, TYPE I; Autosomal Recessive Polycystic Kidney Disease – PKHD1; POLYCYSTIC KIDNEY DISEASE 4 WITH OR WITHOUT POLYCYSTIC LIVER DISEASE. Identifiers: MedGen C4540575, MONDO:0033004, OMIM 263200.

Allele frequency attached by ClinVar (database versions not stated): TOPMed 0.00002; ExAC 0.00003; gnomAD 0.00005; ESP Exome Variant Server 0.00023.
gnomAD v4.1: 72 of 1,612,706 alleles (0.0045%); highest among the groups gnomAD compares: Admixed American, 0.013%; no homozygotes.

Submissions (2):

Fulgent Genetics
Classification: Uncertain significance for Polycystic kidney disease 4. Last evaluated: 2021-12-17. Review status: criteria provided, single submitter. Criteria: ACMG Guidelines, 2015. Collection method: clinical testing. Allele origin: unknown.

GeneDx
Classification: Uncertain significance. Last evaluated: 2021-03-25. Review status: criteria provided, single submitter. Criteria: GeneDx Variant Classification Process June 2021. Collection method: clinical testing. Allele origin: germline. Affected: yes.
Comment: Not observed at a significant frequency in large population cohorts (Lek et al., 2016); In silico analysis supports that this missense variant has a deleterious effect on protein structure/function; Has not been previously published as pathogenic or benign to our knowledge

NM_138694.4(PKHD1):c.5687C>T (p.Thr1896Met)

Gene: PKHD1 (PKHD1 ciliary IPT domain containing fibrocystin/polyductin; minus strand). Cytogenetic location: 6p12.2.
Variant type: single nucleotide variant.
Coding change: c.5687C>T on transcript NM_138694.4 (MANE Select); coding-DNA position 5687, C replaced by T.
Protein change: p.Thr1896Met; replaces threonine 1896 with methionine.
Molecular consequence: missense variant.
Genome position (GRCh38, 1-based): chr6:52,010,373, G>A on the plus strand (C>T on the coding strand, the complement: PKHD1 is on the minus strand). VCF-style: chr6-52010373-G-A. GRCh37 (hg19) VCF-style: chr6-51875171-G-A.
Other names: c.5687C>T, p.Thr1896Met (NM_170724.3); short protein forms T1896M.
Identifiers: ClinVar variation 1314288 (VCV001314288.3), dbSNP rs140996978, ClinGen allele CA3852455.
Genomic context (GRCh38, chr6:52,010,373, plus strand): 5'-GTGTTCTGGCCCCAGCGTTTCCGTATCTCAGTAATCTTGACGGTAATTGGCTGATTGGGC[G>A]TCTCACACTCCATCTCTGCCTCAGTTTCCATGGTAATGTTACAGGAGCTATTATAGATGA-3'
Protein context (NP_619639.3, residues 1886-1906): METEAEMECE[Thr1896Met]PNQPITVKIT